The following is an entry in ClinVar:

ClinVar aggregate classification (germline): Benign (1 of 4 stars; one submission).

Conditions:
Pontocerebellar hypoplasia type 1B. Also called: EXOSC3 Pontocerebellar Hypoplasia. Identifiers: Orphanet 2254, MedGen C3553449, MONDO:0013853, OMIM 614678.

Allele frequency attached by ClinVar (database versions not stated): 1000 Genomes Project 0.00499; 1000 Genomes Project 30x 0.00531; TOPMed 0.00898; gnomAD 0.00975 and 0.01009; gnomAD exomes 0.01118.
gnomAD v4.1: 3,208 of 306,580 alleles (1%); highest among the groups gnomAD compares: Non-Finnish European, 1.5%; 32 homozygotes.

Submission:

Illumina Laboratory Services, Illumina
Classification: Benign for Pontocerebellar hypoplasia type 1B. Last evaluated: 2017-04-27. Review status: criteria provided, single submitter. Criteria: ICSL Variant Classification Criteria 13 December 2019. Collection method: clinical testing. Allele origin: germline.
Comment: This variant was observed as part of a predisposition screen in an ostensibly healthy population. A literature search was performed for the gene, cDNA change, and amino acid change (where applicable). No publications were found based on this search. Allele frequency data from public databases was too high to be consistent with this variant causing disease. Therefore, this variant is classified as benign.

NM_016042.4(EXOSC3):c.*296T>C

Gene: EXOSC3 (exosome component 3; minus strand). Cytogenetic location: 9p13.2.
Variant type: single nucleotide variant.
Coding change: c.*296T>C on transcript NM_016042.4 (MANE Select); 296 bases downstream of the stop codon, T replaced by C.
Molecular consequence: 3 prime UTR variant.
Genome position (GRCh38, 1-based): chr9:37,780,383, A>G on the plus strand (T>C on the coding strand, the complement: EXOSC3 is on the minus strand). VCF-style: chr9-37780383-A-G. GRCh37 (hg19) VCF-style: chr9-37780380-A-G.
Other names: c.*477T>C (NM_001002269.2).
Identifiers: ClinVar variation 913706 (VCV000913706.4), dbSNP rs138197600, ClinGen allele CA15588531.
Genomic context (GRCh38, chr9:37,780,383, plus strand): 5'-TAGGTATTCCACATTTCCTCTGGTGAACCTGGCTTACTGTTATAATCACAAAATTATTTT[A>G]CTGCTGACCTCCAGTTAATTATGGAAGCTGTAGCAATTACTAAGGGAGTTAACTCCAAAT-3'